The following is an entry in ClinVar:

NM_000642.3(AGL):c.1933A>G (p.Thr645Ala)

Gene: AGL (amylo-alpha-1,6-glucosidase and 4-alpha-glucanotransferase; plus strand). Cytogenetic location: 1p21.2.
Variant type: single nucleotide variant.
Coding change: c.1933A>G on transcript NM_000642.3 (MANE Select); coding-DNA position 1933, A replaced by G.
Protein change: p.Thr645Ala; replaces threonine 645 with alanine.
Molecular consequence: missense variant.
Genome position (GRCh38, 1-based): chr1:99,881,109, A>G. VCF-style: chr1-99881109-A-G. GRCh37 (hg19) VCF-style: chr1-100346665-A-G.
Other names: c.1933A>G, p.Thr645Ala (NM_000028.3, NM_000643.3, NM_000644.3 and 2 more transcripts); c.1885A>G, p.Thr629Ala (NM_000646.3); c.1732A>G, p.Thr578Ala (NM_001425327.1); c.1729A>G, p.Thr577Ala (NM_001425328.1, NM_001425329.1); c.1555A>G, p.Thr519Ala (NM_001425332.1); short protein forms T645A, T629A, T519A, T577A, T578A.
Identifiers: ClinVar variation 526566 (VCV000526566.18), dbSNP rs576969969, ClinGen allele CA966645.

ClinVar aggregate classification (germline): Conflicting classifications of pathogenicity. Review status: criteria provided, conflicting classifications (1 of 4 stars). 7 submissions from 7 submitters: Uncertain significance (5); Likely benign (1). 1 of the submissions does not count toward it. Last evaluated 2026-02-01.

Conditions:
Glycogen storage disease type III (GSD3). Also called: Cori disease; FORBES DISEASE. Identifiers: Orphanet 366, MedGen C0017922, MONDO:0009291, OMIM 232400.

Allele frequency attached by ClinVar (database versions not stated): gnomAD 0.00004 and 0.00005; ExAC 0.00005; gnomAD exomes 0.00005 and 0.00010; TOPMed 0.00008.
gnomAD v4.1: 82 of 1,613,824 alleles (0.0051%); highest among the groups gnomAD compares: Admixed American, 0.033%; no homozygotes.

Submissions (7):

CeGaT Center for Human Genetics Tuebingen
Classification: Uncertain significance. Last evaluated: 2026-02-01. Review status: criteria provided, single submitter. Criteria: CeGaT Center For Human Genetics Tuebingen Variant Classification Criteria Version 2. Collection method: clinical testing. Allele origin: germline. Affected: yes. Observed: 1 variant allele.
Comment: AGL: PM2, BP4

3billion
Classification: Likely benign for Glycogen storage disease type III. Last evaluated: 2024-09-20. Review status: criteria provided, single submitter. Criteria: ACMG Guidelines, 2015. Collection method: clinical testing. Allele origin: germline. Affected: no.
Comment: The homozygous variant was found in patients diagnosed with another variant in a different gene, with no symptoms related to the gene containing the homozygous variant.

Labcorp Genetics (formerly Invitae), Labcorp
Classification: Uncertain significance for Glycogen storage disease type III. Last evaluated: 2022-11-01. Review status: criteria provided, single submitter. Criteria: Invitae Variant Classification Sherloc (09022015). Collection method: clinical testing. Allele origin: germline.
Comment: This sequence change replaces threonine, which is neutral and polar, with alanine, which is neutral and non-polar, at codon 645 of the AGL protein (p.Thr645Ala). This variant is present in population databases (rs576969969, gnomAD 0.04%). This variant has not been reported in the literature in individuals affected with AGL-related conditions. ClinVar contains an entry for this variant (Variation ID: 526566). Advanced modeling of protein sequence and biophysical properties (such as structural, functional, and spatial information, amino acid conservation, physicochemical variation, residue mobility, and thermodynamic stability) performed at Invitae indicates that this missense variant is not expected to disrupt AGL protein function. In summary, the available evidence is currently insufficient to determine the role of this variant in disease. Therefore, it has been classified as a Variant of Uncertain Significance.

Fulgent Genetics
Classification: Uncertain significance for Glycogen storage disease type III. Last evaluated: 2021-07-27. Review status: criteria provided, single submitter. Criteria: ACMG Guidelines, 2015. Collection method: clinical testing. Allele origin: unknown.

Genome-Nilou Lab
Classification: Uncertain significance for Glycogen storage disease type III. Last evaluated: 2021-07-15. Review status: criteria provided, single submitter. Criteria: ACMG Guidelines, 2015. Collection method: clinical testing. Allele origin: germline. Affected: no.

Breakthrough Genomics
Classification: Uncertain significance. Review status: criteria provided, single submitter. Criteria: ACMG Guidelines, 2015. Collection method: not provided. Allele origin: germline. Inheritance: Autosomal recessive inheritance. Affected: yes.

Natera, Inc.
Classification: Uncertain significance for Glycogen storage disease type III. Last evaluated: 2020-01-24. Review status: no assertion criteria provided. Collection method: clinical testing. Allele origin: germline. Not counted in ClinVar's aggregate classification.